The following is an entry in ClinVar:

NM_173550.4(CCDC171):c.2404C>T (p.Arg802Trp)

Gene: CCDC171 (coiled-coil domain containing 171; plus strand). Cytogenetic location: 9p22.3.
Variant type: single nucleotide variant.
Coding change: c.2404C>T on transcript NM_173550.4 (MANE Select); coding-DNA position 2404, C replaced by T.
Protein change: p.Arg802Trp; replaces arginine 802 with tryptophan.
Molecular consequence: missense variant.
Genome position (GRCh38, 1-based): chr9:15,744,627, C>T. VCF-style: chr9-15744627-C-T. GRCh37 (hg19) VCF-style: chr9-15744625-C-T.
Other names: c.2149C>T, p.Arg717Trp (NM_001348002.2); c.2428C>T, p.Arg810Trp (NM_001355547.1); short protein forms R802W, R717W, R810W.
Identifiers: ClinVar variation 161830 (VCV000161830.2), dbSNP rs193920965, ClinGen allele CA174867.

ClinVar aggregate classification (germline): Uncertain significance (0 of 4 stars; one submission).

Conditions:
Prostate cancer. Also called: Malignant tumor of prostate. Identifiers: Orphanet 1331, MedGen C0376358, MONDO:0008315, HP:0012125.

Allele frequency attached by ClinVar (database versions not stated): TOPMed below 0.00001; gnomAD exomes 0.00001.

Submission:

Science for Life laboratory,  Karolinska Institutet
Classification: Uncertain significance for Malignant tumor of prostate. Review status: no assertion criteria provided. Collection method: not provided. Allele origin: somatic.
Comment: TumorID:SWE-3
ClinVar note: Converted during submission from Unknown to Uncertain significance.